The following is an entry in ClinVar:

NM_003482.4(KMT2D):c.14944del (p.Trp4982fs)

Gene: KMT2D (lysine methyltransferase 2D; minus strand). Cytogenetic location: 12q13.12.
Variant type: Deletion.
Coding change: c.14944del on transcript NM_003482.4 (MANE Select); coding-DNA position 14944, one base deleted (T; older notation c.14944delT).
Protein change: p.Trp4982fs; shifts the reading frame from tryptophan 4982.
Molecular consequence: frameshift variant.
Genome position (GRCh38, 1-based): chr12:49,027,022, A deleted on the plus strand (T on the coding strand, the reverse complement: KMT2D is on the minus strand). VCF-style (leftmost placement, unchanged base first): chr12-49027021-CA-C. GRCh37 (hg19) VCF-style: chr12-49420804-CA-C.
Other names: short protein forms W4982fs.
Identifiers: ClinVar variation 2018544 (VCV002018544.4), dbSNP rs2499038830, ClinGen allele CA2580085723.

ClinVar aggregate classification (germline): Pathogenic (1 of 4 stars; one submission).

Conditions:
Kabuki syndrome. Also called: NIIKAWA-KUROKI SYNDROME; Kabuki make-up syndrome. Identifiers: Orphanet 2322, MedGen C0796004, MONDO:0016512.

Submission:

Labcorp Genetics (formerly Invitae), Labcorp
Classification: Pathogenic for Kabuki syndrome. Last evaluated: 2022-07-21. Review status: criteria provided, single submitter. Criteria: Invitae Variant Classification Sherloc (09022015). Collection method: clinical testing. Allele origin: germline.
Comment: This sequence change creates a premature translational stop signal (p.Trp4982Glyfs*13) in the KMT2D gene. It is expected to result in an absent or disrupted protein product. Loss-of-function variants in KMT2D are known to be pathogenic (PMID: 22126750). This variant is not present in population databases (gnomAD no frequency). This variant has not been reported in the literature in individuals affected with KMT2D-related conditions. For these reasons, this variant has been classified as Pathogenic.

Literature cited by the submitters: PubMed 22126750.